The following is an entry in ClinVar:

NM_201384.3(PLEC):c.4321G>A (p.Glu1441Lys)

Gene: PLEC (plectin; minus strand). Cytogenetic location: 8q24.3.
Variant type: single nucleotide variant.
Coding change: c.4321G>A on transcript NM_201384.3 (MANE Select); coding-DNA position 4321, G replaced by A.
Protein change: p.Glu1441Lys; replaces glutamic acid 1441 with lysine.
Molecular consequence: missense variant.
Genome position (GRCh38, 1-based): chr8:143,925,608, C>T on the plus strand (G>A on the coding strand, the complement: PLEC is on the minus strand). VCF-style: chr8-143925608-C-T. GRCh37 (hg19) VCF-style: chr8-144999776-C-T.
Other names: c.4402G>A (NM_000445.3); c.4402G>A, p.Glu1468Lys (NM_000445.5); c.4279G>A, p.Glu1427Lys (NM_201378.4); c.4255G>A, p.Glu1419Lys (NM_201379.3); c.4732G>A, p.Glu1578Lys (NM_201380.4); c.4225G>A, p.Glu1409Lys (NM_201381.3); c.4321G>A, p.Glu1441Lys (NM_201382.4); c.4333G>A, p.Glu1445Lys (NM_201383.3); short protein forms E1409K, E1468K, E1419K, E1427K, E1441K, E1445K, E1578K.
Identifiers: ClinVar variation 969908 (VCV000969908.10), dbSNP rs1824826894, ClinGen allele CA372558057.

ClinVar aggregate classification (germline): Uncertain significance. Review status: criteria provided, multiple submitters, no conflicts (2 of 4 stars). 2 submissions from 2 submitters: Uncertain significance (2). Last evaluated 2020-03-17.

Conditions:
Epidermolysis bullosa simplex 5B, with muscular dystrophy (EBS5B). Also called: Epidermolysis bullosa simplex with muscular dystrophy; EPIDERMOLYSIS BULLOSA SIMPLEX AND LIMB-GIRDLE MUSCULAR DYSTROPHY. Identifiers: Orphanet 257, MedGen C2931072, MONDO:0009181, OMIM 226670.
Autosomal recessive limb-girdle muscular dystrophy type 2Q (LGMDR17). Also called: MUSCULAR DYSTROPHY, LIMB-GIRDLE, AUTOSOMAL RECESSIVE 17. Identifiers: Orphanet 254361, MedGen C3150989, MONDO:0013390, OMIM 613723.
Epidermolysis bullosa simplex with nail dystrophy (EBS5D). Identifiers: MedGen C4225309, MONDO:0014661, OMIM 616487.
Epidermolysis bullosa simplex 5C, with pyloric atresia (EBS5C). Also called: PLEC-Related Epidermolysis Bullosa with Pyloric Atresia; Epidermolysis bullosa simplex with pyloric atresia; PLEC1-Related Epidermolysis Bullosa with Pyloric Atresia. Identifiers: Orphanet 158684, MedGen C2677349, MONDO:0012807, OMIM 612138.
Epidermolysis bullosa simplex, Ogna type (EBS5A). Also called: Pidermolysis bullosa simplex 5A, Ogna type; EPIDERMOLYSIS BULLOSA SIMPLEX 5A, OGNA TYPE. Identifiers: Orphanet 79401, MedGen C0432317, MONDO:0007555, OMIM 131950.

Allele frequency attached by ClinVar (database versions not stated): gnomAD exomes below 0.00001.
gnomAD v4.1: 1 of 1,582,320 alleles (0.000063%); highest among the groups gnomAD compares: Non-Finnish European, 0.000085%; no homozygotes.

Submissions (2):

Revvity Omics, Revvity
Classification: Uncertain significance. Last evaluated: 2020-03-17. Review status: criteria provided, single submitter. Criteria: ACMG Guidelines, 2015. Collection method: clinical testing. Allele origin: germline.

Labcorp Genetics (formerly Invitae), Labcorp
Classification: Uncertain significance for Autosomal recessive limb-girdle muscular dystrophy type 2Q; Epidermolysis bullosa simplex, Ogna type; Epidermolysis bullosa simplex with nail dystrophy; Epidermolysis bullosa simplex 5C, with pyloric atresia; Epidermolysis bullosa simplex 5B, with muscular dystrophy. Last evaluated: 2019-11-14. Review status: criteria provided, single submitter. Criteria: Invitae Variant Classification Sherloc (09022015). Collection method: clinical testing. Allele origin: germline.
Comment: This variant has not been reported in the literature in individuals with PLEC-related conditions. This variant is not present in population databases (ExAC no frequency). This sequence change replaces glutamic acid with lysine at codon 1468 of the PLEC protein (p.Glu1468Lys). The glutamic acid residue is highly conserved and there is a small physicochemical difference between glutamic acid and lysine. In summary, the available evidence is currently insufficient to determine the role of this variant in disease. Therefore, it has been classified as a Variant of Uncertain Significance. Algorithms developed to predict the effect of missense changes on protein structure and function are either unavailable or do not agree on the potential impact of this missense change (SIFT: "Deleterious"; PolyPhen-2: "Not Available"; Align-GVGD: "Class C55").